The following is an entry in ClinVar:

ClinVar aggregate classification (germline): Uncertain significance (1 of 4 stars; one submission).

Conditions:
Hereditary hyperferritinemia with congenital cataracts. Also called: Hereditary hyperferritinemia cataract syndrome; Bonneau-Beaumont syndrome; HYPERFERRITINEMIA WITH OR WITHOUT CATARACT. Identifiers: Orphanet 163, MedGen C1833213, MONDO:0010952, OMIM 600886.
Neuroferritinopathy (NBIA3). Also called: NEURODEGENERATION WITH BRAIN IRON ACCUMULATION 3; BASAL GANGLIA DISEASE, ADULT-ONSET. Identifiers: Orphanet 157846, MedGen C1853578, MONDO:0011638, OMIM 606159.

Submission:

Labcorp Genetics (formerly Invitae), Labcorp
Classification: Uncertain significance for Neuroferritinopathy; Hereditary hyperferritinemia with congenital cataracts. Last evaluated: 2024-10-02. Review status: criteria provided, single submitter. Criteria: Invitae Variant Classification Sherloc (09022015). Collection method: clinical testing. Allele origin: germline.
Comment: This variant occurs in a non-coding region of the FTL gene. It does not change the encoded amino acid sequence of the FTL protein. This variant is not present in population databases (gnomAD no frequency). This variant has been observed in individual(s) with hyperferritinemia-cataract syndrome (internal data). Experimental studies and prediction algorithms are not available or were not evaluated, and the functional significance of this variant is currently unknown. In summary, the available evidence is currently insufficient to determine the role of this variant in disease. Therefore, it has been classified as a Variant of Uncertain Significance.

NM_000146.4(FTL):c.-167_-153del

Gene: FTL (ferritin light chain; plus strand). Cytogenetic location: 19q13.33.
Variant type: Deletion.
Coding change: c.-167_-153del on transcript NM_000146.4 (MANE Select); 167 bases upstream of the start codon through 153 bases upstream of the start codon, 15 bases deleted (CTTCAACAGTGTTTG).
Molecular consequence: 5 prime UTR variant.
Genome position (GRCh38, 1-based): chr19:48,965,341-48,965,355, CTTCAACAGTGTTTG deleted; deleting any 15 consecutive bases within chr19:48,965,338-48,965,355 gives the same sequence; the c. name uses the placement nearest the transcript's 3' end. VCF-style (leftmost placement, unchanged base first): chr19-48965337-CTTGCTTCAACAGTGT-C. GRCh37 (hg19) VCF-style: chr19-49468594-CTTGCTTCAACAGTGT-C.
Identifiers: ClinVar variation 3759327 (VCV003759327.2).